The following is an entry in ClinVar:

ClinVar aggregate classification (germline): Uncertain significance (1 of 4 stars; one submission).

Conditions:
Breast-ovarian cancer, familial, susceptibility to, 4. Identifiers: Orphanet 145, MedGen C3280345, MONDO:0013669, OMIM 614291.

Submission:

Labcorp Genetics (formerly Invitae), Labcorp
Classification: Uncertain significance for Breast-ovarian cancer, familial, susceptibility to, 4. Last evaluated: 2024-03-21. Review status: criteria provided, single submitter. Criteria: Invitae Variant Classification Sherloc (09022015). Collection method: clinical testing. Allele origin: germline.
Comment: This sequence change replaces alanine, which is neutral and non-polar, with threonine, which is neutral and polar, at codon 244 of the RAD51D protein (p.Ala244Thr). This variant is not present in population databases (gnomAD no frequency). This variant has not been reported in the literature in individuals affected with RAD51D-related conditions. ClinVar contains an entry for this variant (Variation ID: 2014247). Advanced modeling of protein sequence and biophysical properties (such as structural, functional, and spatial information, amino acid conservation, physicochemical variation, residue mobility, and thermodynamic stability) performed at Invitae indicates that this missense variant is not expected to disrupt RAD51D protein function with a negative predictive value of 80%. In summary, the available evidence is currently insufficient to determine the role of this variant in disease. Therefore, it has been classified as a Variant of Uncertain Significance.

NM_002878.4(RAD51D):c.730G>A (p.Ala244Thr)

Genes: RAD51D (RAD51 paralog D; minus strand), RAD51L3-RFFL (RAD51L3-RFFL readthrough; minus strand). Cytogenetic location: 17q12.
Variant type: single nucleotide variant.
Coding change: c.730G>A on transcript NM_002878.4 (MANE Select); coding-DNA position 730, G replaced by A.
Protein change: p.Ala244Thr; replaces alanine 244 with threonine.
Molecular consequence: missense variant. On other transcripts: non-coding transcript variant (3).
Genome position (GRCh38, 1-based): chr17:35,103,262, C>T on the plus strand (G>A on the coding strand, the complement: RAD51D is on the minus strand). VCF-style: chr17-35103262-C-T. GRCh37 (hg19) VCF-style: chr17-33430281-C-T.
Other names: c.790G>A, p.Ala264Thr (NM_001142571.2); c.394G>A, p.Ala132Thr (NM_133629.3); short protein forms A132T, A244T, A264T.
Identifiers: ClinVar variation 2014247 (VCV002014247.4), dbSNP rs1180904206, ClinGen allele CA399087495.
Genomic context (GRCh38, chr17:35,103,262, plus strand): 5'-AGAGCTCGCAATAACTAGAAATCAAGTTCATTGGCCAAGCCTGCTTCCTCACCACCACTG[C>T]CATGCCAAGGTCCCGGGCCAGGGTCTTCAGCTCTCGGGCCAGCTGCATCATCAAGGCCAA-3'
Protein context (NP_002869.3, residues 234-254): LKTLARDLGM[Ala244Thr]VVVTNHITRD